The following is an entry in ClinVar:

NM_001267550.2(TTN):c.8955T>G (p.Thr2985=)

Gene: TTN (titin; minus strand). Cytogenetic location: 2q31.2.
Variant type: single nucleotide variant.
Coding change: c.8955T>G on transcript NM_001267550.2 (MANE Select); coding-DNA position 8955, T replaced by G.
Protein change: p.Thr2985=; no amino-acid change (threonine 2985 retained).
Molecular consequence: synonymous variant.
Genome position (GRCh38, 1-based): chr2:178,768,881, A>C on the plus strand (T>G on the coding strand, the complement: TTN is on the minus strand). VCF-style: chr2-178768881-A-C. GRCh37 (hg19) VCF-style: chr2-179633608-A-C.
Other names: c.8817T>G, p.Thr2939= (NM_003319.4, NM_133432.3, NM_133437.4); c.8955T>G, p.Thr2985= (NM_133378.4, NM_133379.5, NM_001256850.1).
Identifiers: ClinVar variation 390660 (VCV000390660.11), dbSNP rs774980824, ClinGen allele CA2004472.
Genomic context (GRCh38, chr2:178,768,881, plus strand): 5'-ACCATTCTTTAACCATTTGTAAGAGATGCCTTCATAGTTCACTGTCACCTCAAAAGTAAT[A>C]GTGTCTTTTTCTTCAGCGTTGATGTCTTTCAGCATGGAAGTAATCATGATTGCTGCAAAG-3'
Protein context (NP_001254479.2, residues 2975-2995): LKDINAEEKD[Thr2985=]ITFEVTVNYE

ClinVar aggregate classification (germline): Likely benign. Review status: criteria provided, multiple submitters, no conflicts (2 of 4 stars). 3 submissions from 3 submitters: Likely benign (3). Last evaluated 2026-09-21.

Conditions:
Dilated cardiomyopathy 1G (CMD1G). Identifiers: Orphanet 154, MedGen C1858763, MONDO:0011400, OMIM 604145.
Autosomal recessive limb-girdle muscular dystrophy type 2J (LGMDR10). Also called: Limb-girdle muscular dystrophy, type 2J; MUSCULAR DYSTROPHY, LIMB-GIRDLE, AUTOSOMAL RECESSIVE 10. Identifiers: Orphanet 140922, MedGen C1837342, MONDO:0012127, OMIM 608807.

Allele frequency attached by ClinVar (database versions not stated): gnomAD 0.00001.
gnomAD v4.1: 3 of 1,614,080 alleles (0.00019%); highest among the groups gnomAD compares: East Asian, 0.0022%; no homozygotes.

Submissions (3):

Molecular Diagnostic Laboratory for Inherited Cardiovascular Disease, Montreal Heart Institute
Classification: Likely benign. Last evaluated: 2026-09-21. Review status: criteria provided, single submitter. Criteria: ACMG Guidelines, 2015. Collection method: clinical testing. Allele origin: germline. Affected: no.

Labcorp Genetics (formerly Invitae), Labcorp
Classification: Likely benign for Dilated cardiomyopathy 1G; Autosomal recessive limb-girdle muscular dystrophy type 2J. Last evaluated: 2024-12-17. Review status: criteria provided, single submitter. Criteria: Invitae Variant Classification Sherloc (09022015). Collection method: clinical testing. Allele origin: germline.

GeneDx
Classification: Likely benign. Last evaluated: 2016-11-07. Review status: criteria provided, single submitter. Criteria: GeneDx Variant Classification (06012015). Collection method: clinical testing. Allele origin: germline. Affected: yes.
Comment: This variant is considered likely benign or benign based on one or more of the following criteria: it is a conservative change, it occurs at a poorly conserved position in the protein, it is predicted to be benign by multiple in silico algorithms, and/or has population frequency not consistent with disease.